The following is an entry in ClinVar:

ClinVar aggregate classification (germline): Pathogenic. Review status: criteria provided, multiple submitters, no conflicts (2 of 4 stars). 2 submissions from 2 submitters: Pathogenic (2). Last evaluated 2023-09-13.

Conditions:
Familial cancer of breast. Also called: hereditary breast carcinoma; Hereditary breast cancer; BREAST CANCER, FAMILIAL. Identifiers: Orphanet 227535, MedGen C0346153, MONDO:0016419, OMIM 114480. Disease mechanism: loss of function.

Submissions (2):

Myriad Genetics, Inc.
Classification: Pathogenic for Familial cancer of breast. Last evaluated: 2023-09-13. Review status: criteria provided, single submitter. Criteria: Myriad Autosomal Dominant, Autosomal Recessive and X-Linked Classification Criteria (2023). Collection method: clinical testing. Allele origin: unknown.
Comment: This variant is considered pathogenic. This variant creates a frameshift predicted to result in premature protein truncation.

Quest Diagnostics Nichols Institute San Juan Capistrano
Classification: Pathogenic. Last evaluated: 2019-12-05. Review status: criteria provided, single submitter. Criteria: Quest Diagnostics criteria. Collection method: clinical testing. Allele origin: unknown.
Comment: The variant results in a shift of the reading frame, and is therefore predicted to result in the loss of a functional protein. Found in at least one patient with expected phenotype for this gene, and not found in general population data.

NM_024675.4(PALB2):c.2563del (p.Leu855fs)

Gene: PALB2 (partner and localizer of BRCA2; minus strand). Cytogenetic location: 16p12.2.
Variant type: Deletion.
Coding change: c.2563del on transcript NM_024675.4 (MANE Select); coding-DNA position 2563, one base deleted (C; older notation c.2563delC).
Protein change: p.Leu855fs; shifts the reading frame from leucine 855.
Molecular consequence: frameshift variant.
Genome position (GRCh38, 1-based): chr16:23,629,227, G deleted on the plus strand (C on the coding strand, the reverse complement: PALB2 is on the minus strand); the first of 2 consecutive G bases (chr16:23,629,227-23,629,228); deleting either gives the same sequence. VCF-style (leftmost placement, unchanged base first): chr16-23629226-AG-A. GRCh37 (hg19) VCF-style: chr16-23640547-AG-A.
Other names: short protein forms L855fs.
Identifiers: ClinVar variation 993119 (VCV000993119.2), dbSNP rs1966853795, ClinGen allele CA1139664586.
Genomic context (GRCh38, chr16:23,629,226, plus strand): 5'-GTAAGACACGAGACACTGGAAGAGAATATTCTTCTGACCTTTAACTCTGAAACCAATTGT[AG>A]GTTGCCTGGGTTTATGCTATCAGAAGCAGGAAGCTCTGCTGTTTCAGTCTGTGAAAACAA-3'